The following is an entry in ClinVar:

NM_000094.4(COL7A1):c.8647G>A (p.Gly2883Ser)

Gene: COL7A1 (collagen type VII alpha 1 chain; minus strand). Cytogenetic location: 3p21.31.
Variant type: single nucleotide variant.
Coding change: c.8647G>A on transcript NM_000094.4 (MANE Select); coding-DNA position 8647, G replaced by A.
Protein change: p.Gly2883Ser; replaces glycine 2883 with serine.
Molecular consequence: missense variant.
Genome position (GRCh38, 1-based): chr3:48,564,954, C>T on the plus strand (G>A on the coding strand, the complement: COL7A1 is on the minus strand). VCF-style: chr3-48564954-C-T. GRCh37 (hg19) VCF-style: chr3-48602387-C-T.
Other names: short protein forms G2883S.
Identifiers: ClinVar variation 1952549 (VCV001952549.2), dbSNP rs1294205828, ClinGen allele CA352633491.

ClinVar aggregate classification (germline): Uncertain significance (1 of 4 stars; one submission).

Allele frequency attached by ClinVar (database versions not stated): TOPMed below 0.00001; gnomAD 0.00001.
gnomAD v4.1: 1 of 1,614,032 alleles (0.000062%); highest among the groups gnomAD compares: Non-Finnish European, 0.000085%; no homozygotes.

Submission:

Labcorp Genetics (formerly Invitae), Labcorp
Classification: Uncertain significance. Last evaluated: 2021-05-31. Review status: criteria provided, single submitter. Criteria: Invitae Variant Classification Sherloc (09022015). Collection method: clinical testing. Allele origin: germline.
Comment: This sequence change replaces glycine with serine at codon 2883 of the COL7A1 protein (p.Gly2883Ser). The glycine residue is moderately conserved and there is a small physicochemical difference between glycine and serine. This variant is not present in population databases (ExAC no frequency). This variant has not been reported in the literature in individuals with COL7A1-related conditions. Advanced modeling of protein sequence and biophysical properties (such as structural, functional, and spatial information, amino acid conservation, physicochemical variation, residue mobility, and thermodynamic stability) performed at Invitae indicates that this missense variant is expected to disrupt COL7A1 protein function. In summary, the available evidence is currently insufficient to determine the role of this variant in disease. Therefore, it has been classified as a Variant of Uncertain Significance.